The following is an entry in ClinVar:

ClinVar aggregate classification (germline): Uncertain significance (1 of 4 stars; one submission).

Allele frequency attached by ClinVar (database versions not stated): ExAC 0.00001.

Submission:

Labcorp Genetics (formerly Invitae), Labcorp
Classification: Uncertain significance. Last evaluated: 2023-01-26. Review status: criteria provided, single submitter. Criteria: Invitae Variant Classification Sherloc (09022015). Collection method: clinical testing. Allele origin: germline.
Comment: In summary, the available evidence is currently insufficient to determine the role of this variant in disease. Therefore, it has been classified as a Variant of Uncertain Significance. Experimental studies and prediction algorithms are not available or were not evaluated, and the functional significance of this variant is currently unknown. This variant has not been reported in the literature in individuals affected with COL18A1-related conditions. The frequency data for this variant in the population databases is considered unreliable, as metrics indicate poor data quality at this position in the gnomAD database. This sequence change replaces arginine, which is basic and polar, with glycine, which is neutral and non-polar, at codon 626 of the COL18A1 protein (p.Arg626Gly).

NM_001379500.1(COL18A1):c.1876C>G (p.Arg626Gly)

Gene: COL18A1 (collagen type XVIII alpha 1 chain; plus strand). Cytogenetic location: 21q22.3.
Variant type: single nucleotide variant.
Coding change: c.1876C>G on transcript NM_001379500.1 (MANE Select); coding-DNA position 1876, C replaced by G.
Protein change: p.Arg626Gly; replaces arginine 626 with glycine.
Molecular consequence: missense variant.
Genome position (GRCh38, 1-based): chr21:45,487,489, C>G. VCF-style: chr21-45487489-C-G. GRCh37 (hg19) VCF-style: chr21-46907403-C-G.
Other names: c.2416C>G, p.Arg806Gly (NM_030582.4); c.3121C>G, p.Arg1041Gly (NM_130444.3); short protein forms R1041G, R806G, R626G.
Identifiers: ClinVar variation 1962561 (VCV001962561.5), dbSNP rs753935209, ClinGen allele CA10066585.